The following is an entry in ClinVar:

ClinVar aggregate classification (germline): Uncertain significance (1 of 4 stars; one submission).

Allele frequency attached by ClinVar (database versions not stated): gnomAD 0.00001; TOPMed 0.00001; gnomAD exomes 0.00002.

Submission:

Labcorp Genetics (formerly Invitae), Labcorp
Classification: Uncertain significance. Last evaluated: 2021-12-24. Review status: criteria provided, single submitter. Criteria: Invitae Variant Classification Sherloc (09022015). Collection method: clinical testing. Allele origin: germline.
Comment: This sequence change replaces arginine, which is basic and polar, with cysteine, which is neutral and slightly polar, at codon 1264 of the ASPM protein (p.Arg1264Cys). In summary, the available evidence is currently insufficient to determine the role of this variant in disease. Therefore, it has been classified as a Variant of Uncertain Significance. Algorithms developed to predict the effect of missense changes on protein structure and function output the following: SIFT: "Tolerated"; PolyPhen-2: "Benign"; Align-GVGD: "Class C0". The cysteine amino acid residue is found in multiple mammalian species, which suggests that this missense change does not adversely affect protein function. This variant has not been reported in the literature in individuals affected with ASPM-related conditions. This variant is not present in population databases (gnomAD no frequency).

NM_018136.5(ASPM):c.3790C>T (p.Arg1264Cys)

Gene: ASPM (assembly factor for spindle microtubules; minus strand). Cytogenetic location: 1q31.3.
Variant type: single nucleotide variant.
Coding change: c.3790C>T on transcript NM_018136.5 (MANE Select); coding-DNA position 3790, C replaced by T.
Protein change: p.Arg1264Cys; replaces arginine 1264 with cysteine.
Molecular consequence: missense variant.
Genome position (GRCh38, 1-based): chr1:197,121,995, G>A on the plus strand (C>T on the coding strand, the complement: ASPM is on the minus strand). VCF-style: chr1-197121995-G-A. GRCh37 (hg19) VCF-style: chr1-197091125-G-A.
Other names: c.3790C>T, p.Arg1264Cys (NM_001206846.2); short protein forms R1264C.
Identifiers: ClinVar variation 1953551 (VCV001953551.3), dbSNP rs1038039573, ClinGen allele CA35883174.